The following is an entry in ClinVar:

NM_006876.3(B4GAT1):c.278A>G (p.Asn93Ser)

Gene: B4GAT1 (beta-1,4-glucuronyltransferase 1; minus strand). Cytogenetic location: 11q13.2.
Variant type: single nucleotide variant.
Coding change: c.278A>G on transcript NM_006876.3 (MANE Select); coding-DNA position 278, A replaced by G.
Protein change: p.Asn93Ser; replaces asparagine 93 with serine.
Molecular consequence: missense variant.
Genome position (GRCh38, 1-based): chr11:66,347,268, T>C on the plus strand (A>G on the coding strand, the complement: B4GAT1 is on the minus strand). VCF-style: chr11-66347268-T-C. GRCh37 (hg19) VCF-style: chr11-66114739-T-C.
Other names: short protein forms N93S.
Identifiers: ClinVar variation 574656 (VCV000574656.6), dbSNP rs1332907515, ClinGen allele CA381418721.

ClinVar aggregate classification (germline): Uncertain significance (1 of 4 stars; one submission).

Conditions:
Muscular dystrophy-dystroglycanopathy (congenital with brain and eye anomalies), type A13. Also called: WALKER-WARBURG SYNDROME OR MUSCLE-EYE-BRAIN DISEASE, B3GNT1-RELATED; Muscular dystrophy-dystroglycanopathy (congenital with brain and eye anomalies), type a, 13. Identifiers: Orphanet 899, MedGen C3809042, MONDO:0014120, OMIM 615287.

Allele frequency attached by ClinVar (database versions not stated): gnomAD exomes 0.00001; TOPMed 0.00001.

Submission:

Labcorp Genetics (formerly Invitae), Labcorp
Classification: Uncertain significance for Muscular dystrophy-dystroglycanopathy (congenital with brain and eye anomalies), type A13. Last evaluated: 2021-09-01. Review status: criteria provided, single submitter. Criteria: Invitae Variant Classification Sherloc (09022015). Collection method: clinical testing. Allele origin: germline.
Comment: This sequence change replaces asparagine with serine at codon 93 of the B4GAT1 protein (p.Asn93Ser). The asparagine residue is moderately conserved and there is a small physicochemical difference between asparagine and serine. This variant is not present in population databases (ExAC no frequency). This variant has not been reported in the literature in individuals affected with B4GAT1-related conditions. Algorithms developed to predict the effect of missense changes on protein structure and function output the following: SIFT: "Tolerated"; PolyPhen-2: "Benign"; Align-GVGD: "Class C0". The serine amino acid residue is found in multiple mammalian species, which suggests that this missense change does not adversely affect protein function. In summary, the available evidence is currently insufficient to determine the role of this variant in disease. Therefore, it has been classified as a Variant of Uncertain Significance.